The following is an entry in ClinVar:

NM_012154.5(AGO2):c.1404-5T>G

Gene: AGO2 (argonaute RISC catalytic component 2; minus strand). Cytogenetic location: 8q24.3.
Variant type: single nucleotide variant.
Coding change: c.1404-5T>G on transcript NM_012154.5 (MANE Select); 5 bases into the intron before coding-DNA position 1404, T replaced by G.
Molecular consequence: intron variant.
Genome position (GRCh38, 1-based): chr8:140,549,303, A>C on the plus strand (T>G on the coding strand, the complement: AGO2 is on the minus strand). VCF-style: chr8-140549303-A-C. GRCh37 (hg19) VCF-style: chr8-141559402-A-C.
Other names: c.1404-5T>G (NM_001164623.3).
Identifiers: ClinVar variation 2635221 (VCV002635221.1), dbSNP rs2540708804, ClinGen allele CA2695201532.

ClinVar aggregate classification (germline): Uncertain significance (1 of 4 stars; one submission).

Conditions:
AGO2-related disorder. Also called: AGO2-related condition.

Submission:

PreventionGenetics, part of Exact Sciences
Classification: Uncertain significance for AGO2-related condition. Last evaluated: 2022-12-02. Review status: criteria provided, single submitter. Criteria: ACMG Guidelines, 2015. Collection method: clinical testing. Allele origin: germline.
Comment: The AGO2 c.1404-5T>G variant is predicted to interfere with splicing. To our knowledge, this variant has not been reported in the literature or in a large population database, indicating this variant is rare. At this time, the clinical significance of this variant is uncertain due to the absence of conclusive functional and genetic evidence.